The following is an entry in ClinVar:

ClinVar aggregate classification (germline): Uncertain significance (1 of 4 stars; one submission).

Allele frequency attached by ClinVar (database versions not stated): gnomAD exomes below 0.00001.

Submission:

Labcorp Genetics (formerly Invitae), Labcorp
Classification: Uncertain significance. Last evaluated: 2022-06-19. Review status: criteria provided, single submitter. Criteria: Invitae Variant Classification Sherloc (09022015). Collection method: clinical testing. Allele origin: germline.
Comment: This sequence change replaces serine, which is neutral and polar, with asparagine, which is neutral and polar, at codon 478 of the TBC1D32 protein (p.Ser478Asn). This variant is not present in population databases (gnomAD no frequency). This variant has not been reported in the literature in individuals affected with TBC1D32-related conditions. Algorithms developed to predict the effect of missense changes on protein structure and function output the following: SIFT: "Tolerated"; PolyPhen-2: "Benign"; Align-GVGD: "Class C0". The asparagine amino acid residue is found in multiple mammalian species, which suggests that this missense change does not adversely affect protein function. In summary, the available evidence is currently insufficient to determine the role of this variant in disease. Therefore, it has been classified as a Variant of Uncertain Significance.

NM_152730.6(TBC1D32):c.1433G>A (p.Ser478Asn)

Genes: TBC1D32 (TBC1 domain family member 32; minus strand), LOC132089326 (Neanderthal introgressed variant-containing enhancer experimental_89060; plus strand). Cytogenetic location: 6q22.31.
Variant type: single nucleotide variant.
Coding change: c.1433G>A on transcript NM_152730.6 (MANE Select); coding-DNA position 1433, G replaced by A.
Protein change: p.Ser478Asn; replaces serine 478 with asparagine.
Molecular consequence: missense variant. On other transcripts: non-coding transcript variant (1).
Genome position (GRCh38, 1-based): chr6:121,283,850, C>T on the plus strand (G>A on the coding strand, the complement: TBC1D32 is on the minus strand). VCF-style: chr6-121283850-C-T. GRCh37 (hg19) VCF-style: chr6-121604996-C-T.
Other names: c.1433G>A, p.Ser478Asn (NM_001367759.1, NM_001367760.1); short protein forms S478N.
Identifiers: ClinVar variation 2079307 (VCV002079307.4), dbSNP rs2536124480, ClinGen allele CA365472718.